The following is an entry in ClinVar:

ClinVar aggregate classification (germline): Uncertain significance. Review status: criteria provided, multiple submitters, no conflicts (2 of 4 stars). 2 submissions from 2 submitters: Uncertain significance (2). Last evaluated 2023-01-20.

Allele frequency attached by ClinVar (database versions not stated): ExAC 0.00001; gnomAD exomes 0.00002; gnomAD 0.00014.
gnomAD v4.1: 50 of 1,613,870 alleles (0.0031%); highest among the groups gnomAD compares: African/African-American, 0.051%; no homozygotes.

Submissions (2):

Labcorp Genetics (formerly Invitae), Labcorp
Classification: Uncertain significance. Last evaluated: 2023-01-20. Review status: criteria provided, single submitter. Criteria: Invitae Variant Classification Sherloc (09022015). Collection method: clinical testing. Allele origin: germline.
Comment: In summary, the available evidence is currently insufficient to determine the role of this variant in disease. Therefore, it has been classified as a Variant of Uncertain Significance. An algorithm developed to predict the effect of missense changes on protein structure and function (PolyPhen-2) suggests that this variant is likely to be tolerated. This variant has not been reported in the literature in individuals affected with SLC44A4-related conditions. This variant is present in population databases (rs114240969, gnomAD 0.05%), and has an allele count higher than expected for a pathogenic variant. This sequence change replaces proline, which is neutral and non-polar, with leucine, which is neutral and non-polar, at codon 623 of the SLC44A4 protein (p.Pro623Leu).

Ambry Genetics
Classification: Uncertain significance. Last evaluated: 2021-10-12. Review status: criteria provided, single submitter. Criteria: Ambry Variant Classification Scheme 2023. Collection method: clinical testing. Allele origin: germline.

NM_025257.3(SLC44A4):c.1868C>T (p.Pro623Leu)

Gene: SLC44A4 (solute carrier family 44 member 4; minus strand). Cytogenetic location: 6p21.33.
Variant type: single nucleotide variant.
Coding change: c.1868C>T on transcript NM_025257.3 (MANE Select); coding-DNA position 1868, C replaced by T.
Protein change: p.Pro623Leu; replaces proline 623 with leucine.
Molecular consequence: missense variant.
Genome position (GRCh38, 1-based): chr6:31,864,874, G>A on the plus strand (C>T on the coding strand, the complement: SLC44A4 is on the minus strand). VCF-style: chr6-31864874-G-A. GRCh37 (hg19) VCF-style: chr6-31832651-G-A.
Other names: c.1742C>T, p.Pro581Leu (NM_001178044.2); c.1640C>T, p.Pro547Leu (NM_001178045.2); c.1868C>T, p.Pro623Leu (NM_032794.1); c.1868C>T (NM_025257.2); short protein forms P547L, P581L, P623L.
Identifiers: ClinVar variation 2191094 (VCV002191094.5), dbSNP rs114240969, ClinGen allele CA3725234.